The following is an entry in ClinVar:

NM_001308210.2(TSHZ1):c.1765G>T (p.Val589Leu)

Gene: TSHZ1 (teashirt zinc finger homeobox 1; plus strand). Cytogenetic location: 18q22.3.
Variant type: single nucleotide variant.
Coding change: c.1765G>T on transcript NM_001308210.2 (MANE Select); coding-DNA position 1765, G replaced by T.
Protein change: p.Val589Leu; replaces valine 589 with leucine.
Molecular consequence: missense variant.
Genome position (GRCh38, 1-based): chr18:75,287,172, G>T. VCF-style: chr18-75287172-G-T. GRCh37 (hg19) VCF-style: chr18-72999127-G-T.
Other names: c.1630G>T (NM_005786.5); c.1630G>T, p.Val544Leu (NM_005786.6); short protein forms V544L, V589L.
Identifiers: ClinVar variation 2508360 (VCV002508360.3), dbSNP rs200629224, ClinGen allele CA9002106.

ClinVar aggregate classification (germline): Uncertain significance. Review status: criteria provided, multiple submitters, no conflicts (2 of 4 stars). 2 submissions from 2 submitters: Uncertain significance (2). Last evaluated 2025-02-06.

Conditions:
TSHZ1-related disorder. Also called: TSHZ1-related condition.

Allele frequency attached by ClinVar (database versions not stated): gnomAD 0.00004; ESP Exome Variant Server 0.00015.
gnomAD v4.1: 255 of 1,613,628 alleles (0.016%); highest among the groups gnomAD compares: Non-Finnish European, 0.021%; no homozygotes.

Submissions (2):

PreventionGenetics, part of Exact Sciences
Classification: Uncertain significance for TSHZ1-related condition. Last evaluated: 2025-02-06. Review status: criteria provided, single submitter. Criteria: ACMG Guidelines, 2015. Collection method: clinical testing. Allele origin: germline.
Comment: The TSHZ1 c.1630G>T variant is predicted to result in the amino acid substitution p.Val544Leu. To our knowledge, this variant has not been reported in the literature. This variant is reported in 0.011% of alleles in individuals of European (Non-Finnish) descent in gnomAD. Although we suspect that this variant may be benign, at this time, the clinical significance of this variant is uncertain due to the absence of conclusive functional and genetic evidence.

Ambry Genetics
Classification: Uncertain significance. Last evaluated: 2023-05-22. Review status: criteria provided, single submitter. Criteria: Ambry Variant Classification Scheme 2023. Collection method: clinical testing. Allele origin: germline.